The following is an entry in ClinVar:

ClinVar aggregate classification (germline): Uncertain significance. Review status: criteria provided, multiple submitters, no conflicts (2 of 4 stars). 2 submissions from 2 submitters: Uncertain significance (2). Last evaluated 2024-05-19.

Conditions:
Inborn genetic diseases. Identifiers: MedGen C0950123, MeSH D030342.
Dyskeratosis congenita, autosomal dominant 6 (DKCA6). Identifiers: Orphanet 3322, MedGen C4225284, MONDO:0014690, OMIM 616553.

Allele frequency attached by ClinVar (database versions not stated): TOPMed 0.00004; ExAC 0.00001.

Submissions (2):

Labcorp Genetics (formerly Invitae), Labcorp
Classification: Uncertain significance for Dyskeratosis congenita, autosomal dominant 6. Last evaluated: 2024-05-19. Review status: criteria provided, single submitter. Criteria: Invitae Variant Classification Sherloc (09022015). Collection method: clinical testing. Allele origin: germline.
Comment: This sequence change replaces threonine, which is neutral and polar, with arginine, which is basic and polar, at codon 31 of the ACD protein (p.Thr31Arg). This variant is present in population databases (rs760441780, gnomAD 0.01%). This variant has not been reported in the literature in individuals affected with ACD-related conditions. ClinVar contains an entry for this variant (Variation ID: 1766481). An algorithm developed to predict the effect of missense changes on protein structure and function (PolyPhen-2) suggests that this variant is likely to be tolerated. In summary, the available evidence is currently insufficient to determine the role of this variant in disease. Therefore, it has been classified as a Variant of Uncertain Significance.

Ambry Genetics
Classification: Uncertain significance for Inborn genetic diseases. Last evaluated: 2024-04-06. Review status: criteria provided, single submitter. Criteria: Ambry Variant Classification Scheme 2023. Collection method: clinical testing. Allele origin: germline.
Comment: The p.T31R variant (also known as c.92C>G), located in coding exon 1 of the ACD gene, results from a C to G substitution at nucleotide position 92. The threonine at codon 31 is replaced by arginine, an amino acid with similar properties. This amino acid position is conserved. In addition, this alteration is predicted to be tolerated by in silico analysis. Since supporting evidence is limited at this time, the clinical significance of this alteration remains unclear.

NC_000016.10:g.67660387G>C

Genes: ACD (ACD shelterin complex subunit and telomerase recruitment factor; minus strand), LOC130059224 (ATAC-STARR-seq lymphoblastoid silent region 7617; plus strand). Cytogenetic location: 16q22.1.
Variant type: single nucleotide variant.
Genome position: GRCh38 VCF-style: chr16-67660387-G-C. GRCh37 (hg19) VCF-style: chr16-67694290-G-C.
Other names: short protein forms T31R.
Identifiers: ClinVar variation 1766481 (VCV001766481.5), dbSNP rs760441780, ClinGen allele CA8114919.
Genomic context (GRCh38, chr16:67,660,387, plus strand): 5'-AGGAGGCCCCGCCCACGTACACCCCGCGCCTGCGCACGAGGGCGTCCTGCTCGGGGGCCT[G>C]TGTGCAGACTCCCGCTGGTCCACCCCGCTGGTGCACGGGATGCTGGCCCGTTTACTCTCA-3'